The following is an entry in ClinVar:

ClinVar aggregate classification (germline): Benign. Review status: criteria provided, multiple submitters, no conflicts (2 of 4 stars). 2 submissions from 2 submitters: Benign (2). Last evaluated 2018-06-14.

Allele frequency attached by ClinVar (database versions not stated): TOPMed 0.26072; gnomAD 0.26156 and 0.26321; 1000 Genomes Project 0.27137; 1000 Genomes Project 30x 0.27139.
gnomAD v4.1: 358,801 of 1,588,650 alleles (23%); highest among the groups gnomAD compares: African/African-American, 38%; 42,160 homozygotes.

Submissions (2):

GeneDx
Classification: Benign. Last evaluated: 2018-06-14. Review status: criteria provided, single submitter. Criteria: GeneDx Variant Classification (06012015). Collection method: clinical testing. Allele origin: germline. Affected: yes.
Comment: This variant is considered likely benign or benign based on one or more of the following criteria: it is a conservative change, it occurs at a poorly conserved position in the protein, it is predicted to be benign by multiple in silico algorithms, and/or has population frequency not consistent with disease.

Breakthrough Genomics
Classification: Benign. Review status: criteria provided, single submitter. Criteria: ACMG Guidelines, 2015. Collection method: not provided. Allele origin: germline. Inheritance: Autosomal dominant inheritance. Affected: yes.

NM_001002295.2(GATA3):c.1050+60C>T

Gene: GATA3 (GATA binding protein 3; plus strand). Cytogenetic location: 10p14.
Variant type: single nucleotide variant.
Coding change: c.1050+60C>T on transcript NM_001002295.2 (MANE Select); 60 bases into the intron after coding-DNA position 1050, C replaced by T.
Molecular consequence: intron variant.
Genome position (GRCh38, 1-based): chr10:8,069,658, C>T. VCF-style: chr10-8069658-C-T. GRCh37 (hg19) VCF-style: chr10-8111621-C-T.
Other names: c.1047+60C>T (NM_002051.3).
Identifiers: ClinVar variation 682790 (VCV000682790.2), dbSNP rs406103, ClinGen allele CA13142251.